The following is an entry in ClinVar:

NM_006031.6(PCNT):c.2986G>C (p.Asp996His)

Gene: PCNT (pericentrin; plus strand). Cytogenetic location: 21q22.3.
Variant type: single nucleotide variant.
Coding change: c.2986G>C on transcript NM_006031.6 (MANE Select); coding-DNA position 2986, G replaced by C.
Protein change: p.Asp996His; replaces aspartic acid 996 with histidine.
Molecular consequence: missense variant.
Genome position (GRCh38, 1-based): chr21:46,366,960, G>C. VCF-style: chr21-46366960-G-C. GRCh37 (hg19) VCF-style: chr21-47786875-G-C.
Other names: c.2632G>C, p.Asp878His (NM_001315529.2); short protein forms D878H, D996H.
Identifiers: ClinVar variation 4978985 (VCV004978985.1).

ClinVar aggregate classification (germline): Uncertain significance (1 of 4 stars; one submission).

Conditions:
PCNT-related disorder. Also called: PCNT-related condition.

gnomAD v4.1: 4 of 1,614,116 alleles (0.00025%); highest among the groups gnomAD compares: Non-Finnish European, 0.00034%; no homozygotes.

Submission:

PreventionGenetics, part of Exact Sciences
Classification: Uncertain significance for PCNT-related condition. Last evaluated: 2025-09-02. Review status: criteria provided, single submitter. Criteria: ACMG Guidelines, 2015. Collection method: clinical testing. Allele origin: germline.
Comment: The PCNT c.2986G>C variant is predicted to result in the amino acid substitution p.Asp996His. To our knowledge, this variant has not been reported in the literature. This variant is reported in 0.013% of alleles in individuals of European (Non-Finnish) descent in gnomAD. At this time, the clinical significance of this variant is uncertain due to the absence of conclusive functional and genetic evidence.